The following is an entry in ClinVar:

ClinVar aggregate classification (germline): Uncertain significance. Review status: criteria provided, multiple submitters, no conflicts (2 of 4 stars). 2 submissions from 2 submitters: Uncertain significance (2). Last evaluated 2025-08-18.

Allele frequency attached by ClinVar (database versions not stated): ExAC 0.00001; gnomAD exomes 0.00002; gnomAD 0.00004 and 0.00005; TOPMed 0.00005; ESP Exome Variant Server 0.00008.
gnomAD v4.1: 13 of 1,614,126 alleles (0.00081%); highest among the groups gnomAD compares: African/African-American, 0.017%; no homozygotes.

Submissions (2):

Labcorp Genetics (formerly Invitae), Labcorp
Classification: Uncertain significance. Last evaluated: 2025-08-18. Review status: criteria provided, single submitter. Criteria: Invitae Variant Classification Sherloc (09022015). Collection method: clinical testing. Allele origin: germline.
Comment: This sequence change replaces glycine, which is neutral and non-polar, with valine, which is neutral and non-polar, at codon 64 of the SLC7A14 protein (p.Gly64Val). This variant is present in population databases (rs140384927, gnomAD 0.02%). This variant has not been reported in the literature in individuals affected with SLC7A14-related conditions. ClinVar contains an entry for this variant (Variation ID: 1045043). An algorithm developed to predict the effect of missense changes on protein structure and function (PolyPhen-2) suggests that this variant is likely to be disruptive. In summary, the available evidence is currently insufficient to determine the role of this variant in disease. Therefore, it has been classified as a Variant of Uncertain Significance.

Blueprint Genetics
Classification: Uncertain significance. Last evaluated: 2021-10-26. Review status: criteria provided, single submitter. Criteria: ACMG Guidelines, 2015. Collection method: clinical testing. Allele origin: germline.

NM_020949.3(SLC7A14):c.191G>T (p.Gly64Val)

Genes: SLC7A14 (solute carrier family 7 member 14; minus strand), SLC7A14-AS1 (SLC7A14 antisense RNA 1; plus strand). Cytogenetic location: 3q26.2.
Variant type: single nucleotide variant.
Coding change: c.191G>T on transcript NM_020949.3 (MANE Select); coding-DNA position 191, G replaced by T.
Protein change: p.Gly64Val; replaces glycine 64 with valine.
Molecular consequence: missense variant.
Genome position (GRCh38, 1-based): chr3:170,526,746, C>A on the plus strand (G>T on the coding strand, the complement: SLC7A14 is on the minus strand). VCF-style: chr3-170526746-C-A. GRCh37 (hg19) VCF-style: chr3-170244535-C-A.
Other names: short protein forms G64V.
Identifiers: ClinVar variation 1045043 (VCV001045043.7), dbSNP rs140384927, ClinGen allele CA2701995.